The following is an entry in ClinVar:

NM_001276270.2(MBD4):c.1640G>A (p.Trp547Ter)

Gene: MBD4 (methyl-CpG binding domain 4, DNA glycosylase; minus strand). Cytogenetic location: 3q21.3.
Variant type: single nucleotide variant.
Coding change: c.1640G>A on transcript NM_001276270.2 (MANE Select); coding-DNA position 1640, G replaced by A.
Protein change: p.Trp547Ter; replaces tryptophan 547 with a stop codon.
Molecular consequence: nonsense. On other transcripts: intron variant (1).
Genome position (GRCh38, 1-based): chr3:129,432,510, C>T on the plus strand (G>A on the coding strand, the complement: MBD4 is on the minus strand). VCF-style: chr3-129432510-C-T. GRCh37 (hg19) VCF-style: chr3-129151353-C-T.
Other names: c.1658G>A, p.Trp553Ter (NM_001276271.2, NM_003925.3); c.704G>A, p.Trp235Ter (NM_001276273.2); c.1612+46G>A (NM_001276272.2); short protein forms W553*, W547*, W235*.
Identifiers: ClinVar variation 3699450 (VCV003699450.3).

ClinVar aggregate classification (germline): Conflicting classifications of pathogenicity. Review status: criteria provided, conflicting classifications (1 of 4 stars). 2 submissions from 2 submitters: Pathogenic (1); Uncertain significance (1). Last evaluated 2025-07-21.

Conditions:
Inborn genetic diseases. Identifiers: MedGen C0950123, MeSH D030342.

gnomAD v4.1: 1 of 1,614,220 alleles (0.000062%); highest among the groups gnomAD compares: Non-Finnish European, 0.000085%; no homozygotes.

Submissions (2):

Labcorp Genetics (formerly Invitae), Labcorp
Classification: Pathogenic. Last evaluated: 2025-07-21. Review status: criteria provided, single submitter. Criteria: Invitae Variant Classification Sherloc (09022015). Collection method: clinical testing. Allele origin: germline.
Comment: This sequence change creates a premature translational stop signal (p.Trp553*) in the MBD4 gene. While this is not anticipated to result in nonsense mediated decay, it is expected to disrupt the last 28 amino acid(s) of the MBD4 protein. This variant is present in population databases (rs756081732, gnomAD 0.0009%). This variant has not been reported in the literature in individuals affected with MBD4-related conditions. ClinVar contains an entry for this variant (Variation ID: 3699450). Algorithms developed to predict the effect of sequence changes on RNA splicing suggest that this variant may disrupt the consensus splice site. This variant disrupts a region of the MBD4 protein in which other variant(s) (p.Leu563*) have been determined to be pathogenic (PMID: 35460607; internal data). This suggests that this is a clinically significant region of the protein, and that variants that disrupt it are likely to be disease-causing. For these reasons, this variant has been classified as Pathogenic.

Ambry Genetics
Classification: Uncertain significance for Inborn genetic diseases. Last evaluated: 2025-04-25. Review status: criteria provided, single submitter. Criteria: Ambry Variant Classification Scheme 2023. Collection method: clinical testing. Allele origin: germline.
Comment: The p.W547* variant (also known as c.1640G>A), located in coding exon 7 of the MBD4 gene, results from a G to A substitution at nucleotide position 1640. This changes the amino acid from a tryptophan to a stop codon within coding exon 7. This alteration occurs at the 3' terminus of theMBD4 gene, is not expected to trigger nonsense-mediated mRNAdecay, and impacts the last 4.8% of the protein. The exact functional effect of this alteration is unknown. Based on the available evidence, the clinical significance of this variant remains unclear.

Literature cited by the submitters: PubMed 35460607 (cited by Labcorp Genetics (formerly Invitae), Labcorp).